The following is an entry in ClinVar:

NM_181882.3(PRX):c.3268A>C (p.Thr1090Pro)

Gene: PRX (periaxin; minus strand). Cytogenetic location: 19q13.2.
Variant type: single nucleotide variant.
Coding change: c.3268A>C on transcript NM_181882.3 (MANE Select); coding-DNA position 3268, A replaced by C.
Protein change: p.Thr1090Pro; replaces threonine 1090 with proline.
Molecular consequence: missense variant. On other transcripts: 3 prime UTR variant (1).
Genome position (GRCh38, 1-based): chr19:40,395,084, T>G on the plus strand (A>C on the coding strand, the complement: PRX is on the minus strand). VCF-style: chr19-40395084-T-G. GRCh37 (hg19) VCF-style: chr19-40900991-T-G.
Other names: c.3553A>C, p.Thr1185Pro (NM_001411127.1); c.*3473A>C (NM_020956.2); short protein forms T1185P, T1090P.
Identifiers: ClinVar variation 1729584 (VCV001729584.5), dbSNP rs1489716811, ClinGen allele CA405894604.

ClinVar aggregate classification (germline): Uncertain significance. Review status: criteria provided, multiple submitters, no conflicts (2 of 4 stars). 2 submissions from 2 submitters: Uncertain significance (2). Last evaluated 2025-11-26.

Conditions:
Inborn genetic diseases. Identifiers: MedGen C0950123, MeSH D030342.
Charcot-Marie-Tooth disease type 4. Also called: Charcot-Marie-Tooth, Type 4; Charcot-Marie-Tooth disease, type IV. Identifiers: Orphanet 64749, MedGen C4082197, MONDO:0018995.

Allele frequency attached by ClinVar (database versions not stated): gnomAD 0.00001; TOPMed 0.00001; gnomAD exomes 0.00001.
gnomAD v4.1: 8 of 1,613,420 alleles (0.0005%); highest among the groups gnomAD compares: Admixed American, 0.01%; no homozygotes.

Submissions (2):

Ambry Genetics
Classification: Uncertain significance for Inborn genetic diseases. Last evaluated: 2025-11-26. Review status: criteria provided, single submitter. Criteria: Ambry Variant Classification Scheme 2023. Collection method: clinical testing. Allele origin: germline.

Labcorp Genetics (formerly Invitae), Labcorp
Classification: Uncertain significance for Charcot-Marie-Tooth disease type 4. Last evaluated: 2022-09-01. Review status: criteria provided, single submitter. Criteria: Invitae Variant Classification Sherloc (09022015). Collection method: clinical testing. Allele origin: germline.
Comment: This sequence change replaces threonine, which is neutral and polar, with proline, which is neutral and non-polar, at codon 1090 of the PRX protein (p.Thr1090Pro). This variant is present in population databases (no rsID available, gnomAD 0.01%). This variant has not been reported in the literature in individuals affected with PRX-related conditions. Algorithms developed to predict the effect of missense changes on protein structure and function are either unavailable or do not agree on the potential impact of this missense change (SIFT: "Tolerated"; PolyPhen-2: "Possibly Damaging"; Align-GVGD: "Class C0"). In summary, the available evidence is currently insufficient to determine the role of this variant in disease. Therefore, it has been classified as a Variant of Uncertain Significance.